The following is an entry in ClinVar:

NM_000553.6(WRN):c.513_514delinsTT (p.Thr172Ser)

Gene: WRN (WRN RecQ like helicase; plus strand). Cytogenetic location: 8p12.
Variant type: Indel.
Coding change: c.513_514delinsTT on transcript NM_000553.6 (MANE Select); coding-DNA positions 513 to 514, CA replaced by TT.
Protein change: p.Thr172Ser; replaces threonine 172 with serine.
Molecular consequence: missense variant.
Genome position (GRCh38, 1-based): chr8:31,067,041-31,067,042, CA replaced by TT. VCF-style: chr8-31067041-CA-TT. GRCh37 (hg19) VCF-style: chr8-30924557-CA-TT.
Other names: short protein forms T172S.
Identifiers: ClinVar variation 1446727 (VCV001446727.3), dbSNP rs1554519257, ClinGen allele CA2573142713.

ClinVar aggregate classification (germline): Uncertain significance (1 of 4 stars; one submission).

Conditions:
Werner syndrome (WRN). Identifiers: Orphanet 902, MedGen C0043119, MONDO:0010196, OMIM 277700.

Submission:

Labcorp Genetics (formerly Invitae), Labcorp
Classification: Uncertain significance for Werner syndrome. Last evaluated: 2022-03-23. Review status: criteria provided, single submitter. Criteria: Invitae Variant Classification Sherloc (09022015). Collection method: clinical testing. Allele origin: germline.
Comment: This sequence change replaces threonine, which is neutral and polar, with serine, which is neutral and polar, at codon 172 of the WRN protein (p.Thr172Ser). Information on the frequency of this variant in the gnomAD database is not available, as this variant may be reported differently in the database. This variant has not been reported in the literature in individuals affected with WRN-related conditions. Experimental studies and prediction algorithms are not available or were not evaluated, and the functional significance of this variant is currently unknown. In summary, the available evidence is currently insufficient to determine the role of this variant in disease. Therefore, it has been classified as a Variant of Uncertain Significance.